The following is an entry in ClinVar:

NM_000061.3(BTK):c.1426_1430dup (p.Met477fs)

Gene: BTK (Bruton tyrosine kinase; minus strand). Cytogenetic location: Xq22.1.
Variant type: Duplication.
Coding change: c.1426_1430dup on transcript NM_000061.3 (MANE Select); coding-DNA positions 1426 to 1430, 5 bases duplicated (TACAT; older notation c.1426_1430dupTACAT).
Protein change: p.Met477fs; shifts the reading frame from methionine 477.
Molecular consequence: frameshift variant. On other transcripts: intron variant (1).
Genome position (GRCh38, 1-based): chrX:101,356,188-101,356,192, ATGTA duplicated on the plus strand (TACAT on the coding strand, the reverse complement: BTK is on the minus strand). VCF-style (leftmost placement, unchanged base first): chrX-101356187-C-CATGTA. GRCh37 (hg19) VCF-style: chrX-100611175-C-CATGTA.
Other names: c.1528_1532dup, p.Met511fs (NM_001287344.2); c.1039-1498_1039-1494dup (NM_001287345.2); short protein forms M477fs, M511fs.
Identifiers: ClinVar variation 3342600 (VCV003342600.1).

ClinVar aggregate classification (germline): Pathogenic (1 of 4 stars; one submission).

Submission:

GeneDx
Classification: Pathogenic. Last evaluated: 2023-09-01. Review status: criteria provided, single submitter. Criteria: GeneDx Variant Classification Process June 2021. Collection method: clinical testing. Allele origin: germline. Affected: yes.
Comment: Frameshift variant predicted to result in protein truncation or nonsense mediated decay in a gene for which loss of function is a known mechanism of disease; Not observed at significant frequency in large population cohorts (gnomAD); This variant is associated with the following publications: (PMID: 34182127, 35772636)